The following is an entry in ClinVar:

NM_004006.3(DMD):c.5681A>T (p.Asp1894Val)

Gene: DMD (dystrophin; minus strand). Cytogenetic location: Xp21.1.
Variant type: single nucleotide variant.
Coding change: c.5681A>T on transcript NM_004006.3 (MANE Select); coding-DNA position 5681, A replaced by T.
Protein change: p.Asp1894Val; replaces aspartic acid 1894 with valine.
Molecular consequence: missense variant.
Genome position (GRCh38, 1-based): chrX:32,343,192, T>A on the plus strand (A>T on the coding strand, the complement: DMD is on the minus strand). VCF-style: chrX-32343192-T-A. GRCh37 (hg19) VCF-style: chrX-32361309-T-A.
Other names: c.5657A>T, p.Asp1886Val (NM_000109.4); c.5669A>T, p.Asp1890Val (NM_004009.3); c.5312A>T, p.Asp1771Val (NM_004010.3); c.1658A>T, p.Asp553Val (NM_004011.4); c.1649A>T, p.Asp550Val (NM_004012.4); short protein forms D1771V, D1890V, D553V, D1894V, D1886V, D550V.
Identifiers: ClinVar variation 2012880 (VCV002012880.4), dbSNP rs2521862917, ClinGen allele CA412665869.
Genomic context (GRCh38, chrX:32,343,192, plus strand): 5'-ACCTTTATTTTCCTTTCATCTCTGGGCTCAGGTAGGCTGGCTAATTTTTTTTCAATGTCA[T>A]CCAAGCATTTCAGGAGATCATCAGCCTGCCTCTTGTACTGATACCACTGATGAGAAATTT-3'
Protein context (NP_003997.2, residues 1884-1904): RQADDLLKCL[Asp1894Val]DIEKKLASLP

ClinVar aggregate classification (germline): Uncertain significance (1 of 4 stars; one submission).

Conditions:
Duchenne muscular dystrophy (DMD). Also called: MUSCULAR DYSTROPHY, PSEUDOHYPERTROPHIC PROGRESSIVE, DUCHENNE TYPE; Duchenne Muscular Dystrophy (DMD). Identifiers: Orphanet 98896, MedGen C0013264, MONDO:0010679, OMIM 310200.

Submission:

Labcorp Genetics (formerly Invitae), Labcorp
Classification: Uncertain significance for Duchenne muscular dystrophy. Last evaluated: 2023-04-24. Review status: criteria provided, single submitter. Criteria: Invitae Variant Classification Sherloc (09022015). Collection method: clinical testing. Allele origin: germline.
Comment: This sequence change replaces aspartic acid, which is acidic and polar, with valine, which is neutral and non-polar, at codon 1894 of the DMD protein (p.Asp1894Val). This variant is not present in population databases (gnomAD no frequency). This variant has not been reported in the literature in individuals affected with DMD-related conditions. ClinVar contains an entry for this variant (Variation ID: 2012880). Advanced modeling of protein sequence and biophysical properties (such as structural, functional, and spatial information, amino acid conservation, physicochemical variation, residue mobility, and thermodynamic stability) performed at Invitae indicates that this missense variant is not expected to disrupt DMD protein function. In summary, the available evidence is currently insufficient to determine the role of this variant in disease. Therefore, it has been classified as a Variant of Uncertain Significance.